The following is an entry in ClinVar:

NC_000002.11:g.(?_110880912)_(110886837_110889255)del

Gene: NPHP1 (nephrocystin 1; minus strand). Cytogenetic location: 2q13.
Variant type: Deletion.
Identifiers: ClinVar variation 1804668 (VCV001804668.1).

ClinVar aggregate classification (germline): Likely pathogenic (1 of 4 stars; one submission).

Conditions:
Joubert syndrome and related disorders. Identifiers: Orphanet 140874, MedGen C5679612, MONDO:0015369.

Submission:

Women's Health and Genetics/Laboratory Corporation of America, LabCorp
Classification: Likely pathogenic for Joubert syndrome and related disorders. Last evaluated: 2022-11-09. Review status: criteria provided, single submitter. Criteria: LabCorp Variant Classification Summary - May 2015. Collection method: clinical testing. Allele origin: germline.
Comment: Variant summary: The variant identified by MLPA or other technology involves the deletion of exons 18-20 in the NPHP1 gene. A presumed nomenclature of c.(1810+1_1811-1)_(*456_?)del has been designated for the purposes of this classification. Although exact breakpoints of this CNV are not known, it is expected to result in a large deletion encompassing the last 3 exons of the NPHP1 gene. The variant was absent in 21694 control chromosomes (gnomAD, Structural Variants dataset). Deletion of exons 18-20 has been reported in the literature in compound heterozygous individuals affected with juvenile nephronophthisis (Javorszky_2017). These data indicate that the variant is likely to be associated with disease. To our knowledge, no experimental evidence demonstrating an impact on protein function has been reported. No clinical diagnostic laboratories have submitted clinical-significance assessments for this variant to ClinVar after 2014. Based on the evidence outlined above, the variant was classified as likely pathogenic.

Literature cited by the submitters: PubMed 28002029.